The following is an entry in ClinVar:

NM_002382.5(MAX):c.36+10G>C

Genes: MAX (MYC associated transcriptional regulator X; minus strand), LOC130055850 (ATAC-STARR-seq lymphoblastoid silent region 5847; plus strand). Cytogenetic location: 14q23.3.
Variant type: single nucleotide variant.
Coding change: c.36+10G>C on transcript NM_002382.5 (MANE Select); 10 bases into the intron after coding-DNA position 36, G replaced by C.
Molecular consequence: intron variant.
Genome position (GRCh38, 1-based): chr14:65,102,294, C>G on the plus strand (G>C on the coding strand, the complement: MAX is on the minus strand). VCF-style: chr14-65102294-C-G. GRCh37 (hg19) VCF-style: chr14-65569012-C-G.
Other names: c.36+10G>C (NM_001271069.2, NM_197957.4, NM_145112.3 and 3 more transcripts); c.-239+10G>C (NM_001320415.2).
Identifiers: ClinVar variation 532530 (VCV000532530.14), dbSNP rs1421908769, ClinGen allele CA614439833.

ClinVar aggregate classification (germline): Likely benign. Review status: criteria provided, multiple submitters, no conflicts (2 of 4 stars). 3 submissions from 3 submitters: Likely benign (3). Last evaluated 2026-06-05.

Conditions:
Hereditary pheochromocytoma and paraganglioma. Also called: Hereditary pheochromocytoma-paraganglioma; Hereditary Paraganglioma-Pheochromocytoma Syndromes; Hereditary paragangliomas and pheochromocytomas. Identifiers: Orphanet 29072, MedGen C4274332, MONDO:0017366.
MAX-related disorder. Also called: MAX-related condition.
Pheochromocytoma. Also called: MAX-Related Hereditary Paraganglioma-Pheochromocytoma Syndrome. Identifiers: Orphanet 29072, MedGen C0031511, MONDO:0008233, OMIM 171300, HP:0002666.

Allele frequency attached by ClinVar (database versions not stated): TOPMed 0.00002.
gnomAD v4.1: 5 of 1,613,722 alleles (0.00031%); highest among the groups gnomAD compares: Admixed American, 0.0083%; no homozygotes.

Submissions (3):

Myriad Genetics, Inc.
Classification: Likely benign for Pheochromocytoma. Last evaluated: 2026-06-05. Review status: criteria provided, single submitter. Criteria: Myriad Autosomal Dominant, Autosomal Recessive and X-Linked Classification Criteria (2023). Collection method: clinical testing. Allele origin: unknown.
Comment: This variant is considered likely benign. This variant is intronic and is not expected to impact mRNA splicing.

PreventionGenetics, part of Exact Sciences
Classification: Likely benign for MAX-related condition. Last evaluated: 2026-05-04. Review status: criteria provided, single submitter. Criteria: ACMG Guidelines, 2015. Collection method: clinical testing. Allele origin: germline.
Comment: This variant is classified as likely benign based on ACMG/AMP sequence variant interpretation guidelines (Richards et al. 2015 PMID: 25741868, with internal and published modifications).

Labcorp Genetics (formerly Invitae), Labcorp
Classification: Likely benign for Hereditary pheochromocytoma and paraganglioma. Last evaluated: 2025-11-27. Review status: criteria provided, single submitter. Criteria: Invitae Variant Classification Sherloc (09022015). Collection method: clinical testing. Allele origin: germline.